The following is an entry in ClinVar:

ClinVar aggregate classification (germline): Uncertain significance. Review status: criteria provided, multiple submitters, no conflicts (2 of 4 stars). 4 submissions from 4 submitters: Uncertain significance (4). Last evaluated 2025-10-24.

Conditions:
Inborn genetic diseases. Identifiers: MedGen C0950123, MeSH D030342.
Autosomal recessive osteopetrosis 1. Also called: ALBERS-SCHONBERG DISEASE, AUTOSOMAL RECESSIVE; TCIRG1-Related Osteopetrosis; TCIRG1-Related Autosomal Recessive Osteopetrosis. Identifiers: Orphanet 667, MedGen C1850127, MONDO:0009815, OMIM 259700.

Allele frequency attached by ClinVar (database versions not stated): ExAC 0.00002; gnomAD exomes 0.00003 and 0.00008; TOPMed 0.00006; gnomAD 0.00007.
gnomAD v4.1: 128 of 1,613,266 alleles (0.0079%); highest among the groups gnomAD compares: Non-Finnish European, 0.0096%; no homozygotes.

Submissions (4):

Ambry Genetics
Classification: Uncertain significance for Inborn genetic diseases. Last evaluated: 2025-10-24. Review status: criteria provided, single submitter. Criteria: Ambry Variant Classification Scheme 2023. Collection method: clinical testing. Allele origin: germline.

Labcorp Genetics (formerly Invitae), Labcorp
Classification: Uncertain significance. Last evaluated: 2025-05-11. Review status: criteria provided, single submitter. Criteria: Invitae Variant Classification Sherloc (09022015). Collection method: clinical testing. Allele origin: germline.
Comment: This sequence change replaces tyrosine, which is neutral and polar, with cysteine, which is neutral and slightly polar, at codon 461 of the TCIRG1 protein (p.Tyr461Cys). This variant is present in population databases (rs771395837, gnomAD 0.007%). This variant has not been reported in the literature in individuals affected with TCIRG1-related conditions. ClinVar contains an entry for this variant (Variation ID: 882453). Invitae Evidence Modeling of protein sequence and biophysical properties (such as structural, functional, and spatial information, amino acid conservation, physicochemical variation, residue mobility, and thermodynamic stability) indicates that this missense variant is expected to disrupt TCIRG1 protein function with a positive predictive value of 80%. In summary, the available evidence is currently insufficient to determine the role of this variant in disease. Therefore, it has been classified as a Variant of Uncertain Significance.

Fulgent Genetics
Classification: Uncertain significance for Autosomal recessive osteopetrosis 1. Last evaluated: 2022-04-14. Review status: criteria provided, single submitter. Criteria: ACMG Guidelines, 2015. Collection method: clinical testing. Allele origin: unknown.

Illumina Laboratory Services, Illumina
Classification: Uncertain significance for Autosomal recessive osteopetrosis 1. Last evaluated: 2017-04-27. Review status: criteria provided, single submitter. Criteria: ICSL Variant Classification Criteria 13 December 2019. Collection method: clinical testing. Allele origin: germline.

NM_006019.4(TCIRG1):c.1382A>G (p.Tyr461Cys)

Gene: TCIRG1 (T cell immune regulator 1, ATPase H+ transporting V0 subunit a3; plus strand). Cytogenetic location: 11q13.2.
Variant type: single nucleotide variant.
Coding change: c.1382A>G on transcript NM_006019.4 (MANE Select); coding-DNA position 1382, A replaced by G.
Protein change: p.Tyr461Cys; replaces tyrosine 461 with cysteine.
Molecular consequence: missense variant.
Genome position (GRCh38, 1-based): chr11:68,047,723, A>G. VCF-style: chr11-68047723-A-G. GRCh37 (hg19) VCF-style: chr11-67815190-A-G.
Other names: c.488A>G, p.Tyr163Cys (NM_001351059.2); c.734A>G, p.Tyr245Cys (NM_006053.4); short protein forms Y245C, Y163C, Y461C.
Identifiers: ClinVar variation 882453 (VCV000882453.9), dbSNP rs771395837, ClinGen allele CA6147089.